The following is an entry in ClinVar:

NM_003791.4(MBTPS1):c.1391dup (p.Lys465fs)

Gene: MBTPS1 (membrane bound transcription factor peptidase, site 1; minus strand). Cytogenetic location: 16q23.3.
Variant type: Duplication.
Coding change: c.1391dup on transcript NM_003791.4 (MANE Select); coding-DNA position 1391, one base duplicated (G; older notation c.1391dupG).
Protein change: p.Lys465fs; shifts the reading frame from lysine 465.
Molecular consequence: frameshift variant.
Genome position (GRCh38, 1-based): chr16:84,081,804, C duplicated on the plus strand (G on the coding strand, the reverse complement: MBTPS1 is on the minus strand); the first of 2 consecutive C bases (chr16:84,081,804-84,081,805); duplicating either gives the same sequence. VCF-style (leftmost placement, unchanged base first): chr16-84081803-G-GC. GRCh37 (hg19) VCF-style: chr16-84115408-G-GC.
Other names: short protein forms K465fs.
Identifiers: ClinVar variation 4774885 (VCV004774885.1).

ClinVar aggregate classification (germline): Pathogenic (1 of 4 stars; one submission).

Submission:

Labcorp Genetics (formerly Invitae), Labcorp
Classification: Pathogenic. Last evaluated: 2025-09-04. Review status: criteria provided, single submitter. Criteria: Invitae Variant Classification Sherloc (09022015). Collection method: clinical testing. Allele origin: germline.
Comment: This sequence change creates a premature translational stop signal (p.Lys465Glnfs*29) in the MBTPS1 gene. It is expected to result in an absent or disrupted protein product. Loss-of-function variants in MBTPS1 are known to be pathogenic (PMID: 30046013). This variant is present in population databases (no rsID available, gnomAD 0.001%). This variant has not been reported in the literature in individuals affected with MBTPS1-related conditions. For these reasons, this variant has been classified as Pathogenic.

Literature cited by the submitters: PubMed 30046013.